The following is an entry in ClinVar:

ClinVar aggregate classification (germline): Uncertain significance (1 of 4 stars; one submission).

Conditions:
Primary ciliary dyskinesia. Also called: Ciliary dyskinesia. Identifiers: Orphanet 244, MedGen C0008780, MONDO:0016575, HP:0012265.

Submission:

Labcorp Genetics (formerly Invitae), Labcorp
Classification: Uncertain significance for Primary ciliary dyskinesia. Last evaluated: 2022-02-11. Review status: criteria provided, single submitter. Criteria: Invitae Variant Classification Sherloc (09022015). Collection method: clinical testing. Allele origin: germline.
Comment: Information on the frequency of this variant in the gnomAD database is not available, as this variant may be reported differently in the database. In summary, the available evidence is currently insufficient to determine the role of this variant in disease. Therefore, it has been classified as a Variant of Uncertain Significance. Algorithms developed to predict the effect of missense changes on protein structure and function are either unavailable or do not agree on the potential impact of this missense change (SIFT: "Not Available"; PolyPhen-2: "Benign"; Align-GVGD: "Not Available"). ClinVar contains an entry for this variant (Variation ID: 651139). This variant has not been reported in the literature in individuals affected with DRC1-related conditions. This sequence change replaces alanine, which is neutral and non-polar, with isoleucine, which is neutral and non-polar, at codon 356 of the DRC1 protein (p.Ala356Ile).

NM_145038.5(DRC1):c.1066_1067delinsAT (p.Ala356Ile)

Gene: DRC1 (dynein regulatory complex subunit 1; plus strand). Cytogenetic location: 2p23.3.
Variant type: Indel.
Coding change: c.1066_1067delinsAT on transcript NM_145038.5 (MANE Select); coding-DNA positions 1066 to 1067, GC replaced by AT.
Protein change: p.Ala356Ile; replaces alanine 356 with isoleucine.
Molecular consequence: missense variant.
Genome position (GRCh38, 1-based): chr2:26,444,259-26,444,260, GC replaced by AT. VCF-style: chr2-26444259-GC-AT. GRCh37 (hg19) VCF-style: chr2-26667127-GC-AT.
Other names: short protein forms A356I.
Identifiers: ClinVar variation 651139 (VCV000651139.8), dbSNP rs1572379809, ClinGen allele CA915943785.